The following is an entry in ClinVar:

ClinVar aggregate classification (germline): Pathogenic (1 of 4 stars; one submission).

Conditions:
Trimethylaminuria (TMAU). Also called: FISH-ODOR SYNDROME; Fish malodor syndrome; Stale fish syndrome; TMAuria; Primary Trimethylaminuria. Identifiers: MedGen C0342739, MONDO:0011182, OMIM 602079, HP:0003614. Disease mechanism: loss of function.

Submission:

Myriad Genetics, Inc.
Classification: Pathogenic for Trimethylaminuria. Last evaluated: 2025-06-02. Review status: criteria provided, single submitter. Criteria: Myriad Autosomal Dominant, Autosomal Recessive and X-Linked Classification Criteria (2023). Collection method: clinical testing. Allele origin: unknown.
Comment: NM_001002294.2(FMO3):c.863_873del11(L288Hfs*11) is expected to be pathogenic in the context of primary trimethylaminuria. This variant is predicted to lead to an abnormal or absent protein product due to the creation of a premature termination codon in FMO3, a gene where loss-of-function variants are known to be pathogenic. Please note: this variant was assessed in the context of healthy population screening.

NM_001002294.3(FMO3):c.863_873del (p.Leu288fs)

Gene: FMO3 (flavin containing dimethylaniline monoxygenase 3; plus strand). Cytogenetic location: 1q24.3.
Variant type: Deletion.
Coding change: c.863_873del on transcript NM_001002294.3 (MANE Select); coding-DNA positions 863 to 873, 11 bases deleted (TCCCAGCAAGC).
Protein change: p.Leu288fs; shifts the reading frame from leucine 288.
Molecular consequence: frameshift variant.
Genome position (GRCh38, 1-based): chr1:171,114,042-171,114,052, TCCCAGCAAGC deleted; deleting any 11 consecutive bases within chr1:171,114,039-171,114,052 gives the same sequence; the c. name uses the placement nearest the transcript's 3' end. VCF-style (leftmost placement, unchanged base first): chr1-171114038-GAGCTCCCAGCA-G. GRCh37 (hg19) VCF-style: chr1-171083178-GAGCTCCCAGCA-G.
Other names: c.803_813del, p.Leu268fs (NM_001319173.2); c.674_684del, p.Leu225fs (NM_001319174.2); c.863_873del, p.Leu288fs (NM_006894.6); short protein forms L225fs, L268fs, L288fs.
Identifiers: ClinVar variation 5014548 (VCV005014548.1).